The following is an entry in ClinVar:

ClinVar aggregate classification (germline): Likely benign (1 of 4 stars; one submission).

Conditions:
AFF4-related disorder. Also called: AFF4-related condition.

gnomAD v4.1: 6 of 1,614,080 alleles (0.00037%); highest among the groups gnomAD compares: Admixed American, 0.005%; no homozygotes.

Submission:

PreventionGenetics, part of Exact Sciences
Classification: Likely benign for AFF4-related condition. Last evaluated: 2025-03-01. Review status: criteria provided, single submitter. Criteria: ACMG Guidelines, 2015. Collection method: clinical testing. Allele origin: germline.
Comment: This variant is classified as likely benign based on ACMG/AMP sequence variant interpretation guidelines (Richards et al. 2015 PMID: 25741868, with internal and published modifications).

NM_014423.4(AFF4):c.1719A>G (p.Ala573=)

Gene: AFF4 (ALF transcription elongation factor 4; minus strand). Cytogenetic location: 5q31.1.
Variant type: single nucleotide variant.
Coding change: c.1719A>G on transcript NM_014423.4 (MANE Select); coding-DNA position 1719, A replaced by G.
Protein change: p.Ala573=; no amino-acid change (alanine 573 retained).
Molecular consequence: synonymous variant.
Genome position (GRCh38, 1-based): chr5:132,896,911, T>C on the plus strand (A>G on the coding strand, the complement: AFF4 is on the minus strand). VCF-style: chr5-132896911-T-C. GRCh37 (hg19) VCF-style: chr5-132232603-T-C.
Identifiers: ClinVar variation 4978333 (VCV004978333.1).